The following is an entry in ClinVar:

ClinVar aggregate classification (germline): Likely benign (1 of 4 stars; one submission).

Conditions:
PCSK1-related disorder. Also called: PCSK1-related condition.

gnomAD v4.1: 19 of 1,613,890 alleles (0.0012%); highest among the groups gnomAD compares: South Asian, 0.011%; no homozygotes.

Submission:

PreventionGenetics, part of Exact Sciences
Classification: Likely benign for PCSK1-related condition. Last evaluated: 2025-11-18. Review status: criteria provided, single submitter. Criteria: ACMG Guidelines, 2015. Collection method: clinical testing. Allele origin: germline.
Comment: This variant is classified as likely benign based on ACMG/AMP sequence variant interpretation guidelines (Richards et al. 2015 PMID: 25741868, with internal and published modifications).

NM_000439.5(PCSK1):c.738G>A (p.Thr246=)

Genes: CAST (calpastatin; plus strand), PCSK1 (proprotein convertase subtilisin/kexin type 1; minus strand), LOC101929710 (uncharacterized LOC101929710; plus strand). Cytogenetic location: 5q15.
Variant type: single nucleotide variant.
Coding change: c.738G>A on transcript NM_000439.5 (MANE Select); coding-DNA position 738, G replaced by A.
Protein change: p.Thr246=; no amino-acid change (threonine 246 retained).
Molecular consequence: synonymous variant. On other transcripts: intron variant (11).
Genome position (GRCh38, 1-based): chr5:96,412,462, C>T on the plus strand (G>A on the coding strand, the complement: PCSK1 is on the minus strand). VCF-style: chr5-96412462-C-T. GRCh37 (hg19) VCF-style: chr5-95748166-C-T.
Other names: c.597G>A, p.Thr199= (NM_001177875.2); c.-175+32810C>T (NM_001423254.1, NM_001423259.1, NM_001423255.1 and 6 more transcripts); c.-103+32810C>T (NM_001423253.1); c.-40+32810C>T (NM_001423258.1).
Identifiers: ClinVar variation 4994447 (VCV004994447.1).
Genomic context (GRCh38, chr5:96,412,462, plus strand): 5'-TGCACTGTAAATATCCACGTGTCCAGGATTGAATCCAATTGAACTGGCCTCAATAGCATC[C>T]GTCACAATGCCATCCAGCATTCTTATGCCTGAGAAACAAAATAAACAAAGACACACAAAG-3'
Protein context (NP_000430.3, residues 236-256): GGIRMLDGIV[Thr246=]DAIEASSIGF